The following is an entry in ClinVar:

NM_004187.5(KDM5C):c.4067G>A (p.Ser1356Asn)

Gene: KDM5C (lysine demethylase 5C; minus strand). Cytogenetic location: Xp11.22.
Variant type: single nucleotide variant.
Coding change: c.4067G>A on transcript NM_004187.5 (MANE Select); coding-DNA position 4067, G replaced by A.
Protein change: p.Ser1356Asn; replaces serine 1356 with asparagine.
Molecular consequence: missense variant. On other transcripts: non-coding transcript variant (3).
Genome position (GRCh38, 1-based): chrX:53,193,823, C>T on the plus strand (G>A on the coding strand, the complement: KDM5C is on the minus strand). VCF-style: chrX-53193823-C-T. GRCh37 (hg19) VCF-style: chrX-53223005-C-T.
Other names: c.3866G>A, p.Ser1289Asn (NM_001146702.2); c.4064G>A, p.Ser1355Asn (NM_001282622.3, NM_001353979.2, NM_001353982.2); c.4067G>A, p.Ser1356Asn (NM_001353978.3, NM_001353981.2, NM_001353984.2); short protein forms S1289N, S1355N, S1356N.
Identifiers: ClinVar variation 1737508 (VCV001737508.2), dbSNP rs782034722, ClinGen allele CA10419139.
Genomic context (GRCh38, chrX:53,193,823, plus strand): 5'-CTAGACCTACCTCTCTTACCTGAGCCCTCCTCCGGGGCTACCTTCTCAGGACTGGTCACA[C>T]TGTCTCCATTCTCCAGTAAGCCCTGGACCTGCGGAGGAGAGCAAGAATAGGTAGGGGCAA-3'
Protein context (NP_004178.2, residues 1346-1366): KVQGLLENGD[Ser1356Asn]VTSPEKVAPE

ClinVar aggregate classification (germline): Uncertain significance (1 of 4 stars; one submission).

Conditions:
Inborn genetic diseases. Identifiers: MedGen C0950123, MeSH D030342.

Allele frequency attached by ClinVar (database versions not stated): gnomAD exomes below 0.00001; ExAC 0.00001; gnomAD 0.00001; TOPMed 0.00001.
gnomAD v4.1: 2 of 1,209,450 alleles (0.00017%); highest among the groups gnomAD compares: African/African-American, 0.0017%; no homozygotes.

Submission:

Ambry Genetics
Classification: Uncertain significance for Inborn genetic diseases. Last evaluated: 2019-09-23. Review status: criteria provided, single submitter. Criteria: Ambry Variant Classification Scheme 2023. Collection method: clinical testing. Allele origin: germline.
Comment: The p.S1356N variant (also known as c.4067G>A), located in coding exon 24 of the KDM5C gene, results from a G to A substitution at nucleotide position 4067. The serine at codon 1356 is replaced by asparagine, an amino acid with highly similar properties. This amino acid position is well conserved in available vertebrate species. In addition, this alteration is predicted to be tolerated by in silico analysis. Since supporting evidence is limited at this time, the clinical significance of this alteration remains unclear.